The following is an entry in ClinVar:

NM_001379081.2(FREM1):c.2641-10C>T

Genes: FREM1 (FRAS1 related extracellular matrix 1; minus strand), LOC126860582 (P300/CBP strongly-dependent group 1 enhancer GRCh37_chr9:14812530-14813729; plus strand). Cytogenetic location: 9p22.3.
Variant type: single nucleotide variant.
Coding change: c.2641-10C>T on transcript NM_001379081.2 (MANE Select); 10 bases into the intron before coding-DNA position 2641, C replaced by T.
Molecular consequence: intron variant.
Genome position (GRCh38, 1-based): chr9:14,813,074, G>A on the plus strand (C>T on the coding strand, the complement: FREM1 is on the minus strand). VCF-style: chr9-14813074-G-A. GRCh37 (hg19) VCF-style: chr9-14813072-G-A.
Other names: p.?; c.2641-10C>T (NM_144966.7).
Identifiers: ClinVar variation 366142 (VCV000366142.15), dbSNP rs117608184, ClinGen allele CA4990852.
Genomic context (GRCh38, chr9:14,813,074, plus strand): 5'-AGGCATGAGGTCAGCCTTTAAGACTGGTGGCTCATCGTTGACAGGGAATACCTAGGCAAT[G>A]GAAAAAATGCATGTTTTCAGAAAAAGAAAGAAATGACAAATTCTTTGACAGGTAATCCAT-3'

ClinVar aggregate classification (germline): Benign/Likely benign. Review status: criteria provided, multiple submitters, no conflicts (2 of 4 stars). 5 submissions from 5 submitters: Benign (4); Likely benign (1). Last evaluated 2026-02-01.

Conditions:
Oculotrichoanal syndrome (MOTA). Also called: MARLES SYNDROME; Manitoba Oculotrichoanal (MOTA) Syndrome. Identifiers: Orphanet 2717, MedGen C1855425, MONDO:0009560, OMIM 248450.

Allele frequency attached by ClinVar (database versions not stated): 1000 Genomes Project 30x 0.01811; 1000 Genomes Project 0.01957; TOPMed 0.02852; gnomAD 0.02871 and 0.02896; gnomAD exomes 0.02939 and 0.03403; ExAC 0.03030; ESP Exome Variant Server 0.03275.

Submissions (5):

Labcorp Genetics (formerly Invitae), Labcorp
Classification: Benign. Last evaluated: 2026-02-01. Review status: criteria provided, single submitter. Criteria: Invitae Variant Classification Sherloc (09022015). Collection method: clinical testing. Allele origin: germline.

Blueprint Genetics
Classification: Likely benign. Last evaluated: 2024-11-27. Review status: criteria provided, single submitter. Criteria: ACMG Guidelines, 2015. Collection method: clinical testing. Allele origin: germline.

Mayo Clinic Laboratories, Mayo Clinic
Classification: Benign. Last evaluated: 2023-08-14. Review status: criteria provided, single submitter. Criteria: ACMG Guidelines, 2015. Collection method: clinical testing. Allele origin: germline. Observed: 5 variant alleles.
Comment: BS1, BS2, BP4, BP7

Illumina Laboratory Services, Illumina
Classification: Benign for Oculotrichoanal syndrome. Last evaluated: 2018-01-12. Review status: criteria provided, single submitter. Criteria: ICSL Variant Classification Criteria 13 December 2019. Collection method: clinical testing. Allele origin: germline.
Comment: This variant was observed in the ICSL laboratory as part of a predisposition screen in an ostensibly healthy population. It had not been previously curated by ICSL or reported in the Human Gene Mutation Database (HGMD: prior to June 1st, 2018), and was therefore a candidate for classification through an automated scoring system. Utilizing variant allele frequency, disease prevalence and penetrance estimates, and inheritance mode, an automated score was calculated to assess if this variant is too frequent to cause the disease. Based on the score and internal cut-off values, a variant classified as benign is not then subjected to further curation. The score for this variant resulted in a classification of benign for this disease.

Breakthrough Genomics
Classification: Benign. Review status: criteria provided, single submitter. Criteria: ACMG Guidelines, 2015. Collection method: not provided. Allele origin: germline. Inheritance: Autosomal recessive inheritance. Affected: yes.